The following is an entry in ClinVar:

NM_000562.3(C8A):c.1321A>G (p.Ile441Val)

Gene: C8A (complement C8 alpha chain; plus strand). Cytogenetic location: 1p32.2.
Variant type: single nucleotide variant.
Coding change: c.1321A>G on transcript NM_000562.3 (MANE Select); coding-DNA position 1321, A replaced by G.
Protein change: p.Ile441Val; replaces isoleucine 441 with valine.
Molecular consequence: missense variant.
Genome position (GRCh38, 1-based): chr1:56,908,054, A>G. VCF-style: chr1-56908054-A-G. GRCh37 (hg19) VCF-style: chr1-57373727-A-G.
Other names: c.1321A>G (NM_000562.2); short protein forms I441V.
Identifiers: ClinVar variation 1434860 (VCV001434860.7), dbSNP rs111937292, ClinGen allele CA875329.
Genomic context (GRCh38, chr1:56,908,054, plus strand): 5'-TCTCGGGTGCGAGGTGGCAGTTCTGGCTGGAGCGGTGGCTTGGCACAGAACAGGAGCACC[A>G]TTACATACCGTTCCTGGGGGAGGTCATTAAAGTATAATCCTGTTGTTATCGATTTTGAGG-3'
Protein context (NP_000553.1, residues 431-451): SGGLAQNRST[Ile441Val]TYRSWGRSLK

ClinVar aggregate classification (germline): Uncertain significance. Review status: criteria provided, multiple submitters, no conflicts (2 of 4 stars). 4 submissions from 4 submitters: Uncertain significance (4). Last evaluated 2025-12-16.

Conditions:
Type I complement component 8 deficiency. Also called: C8AG DEFICIENCY; C8 ALPHA-GAMMA DEFICIENCY; COMPLEMENT C8 DEFICIENCY, TYPE I. Identifiers: MedGen C3151081, MONDO:0013422, OMIM 613790.

Allele frequency attached by ClinVar (database versions not stated): gnomAD exomes 0.00010 and 0.00019; gnomAD 0.00012 and 0.00013; TOPMed 0.00014; ExAC 0.00019; 1000 Genomes Project 30x 0.00031; 1000 Genomes Project 0.00040.
gnomAD v4.1: 177 of 1,614,144 alleles (0.011%); highest among the groups gnomAD compares: Middle Eastern, 0.15%; no homozygotes.

Submissions (4):

Labcorp Genetics (formerly Invitae), Labcorp
Classification: Uncertain significance. Last evaluated: 2025-12-16. Review status: criteria provided, single submitter. Criteria: Invitae Variant Classification Sherloc (09022015). Collection method: clinical testing. Allele origin: germline.
Comment: This sequence change replaces isoleucine, which is neutral and non-polar, with valine, which is neutral and non-polar, at codon 441 of the C8A protein (p.Ile441Val). This variant is present in population databases (rs111937292, gnomAD 0.07%). This variant has not been reported in the literature in individuals affected with C8A-related conditions. ClinVar contains an entry for this variant (Variation ID: 1434860). An algorithm developed to predict the effect of missense changes on protein structure and function outputs the following: PolyPhen-2: "Benign". The valine amino acid residue is found in multiple mammalian species, which suggests that this missense change does not adversely affect protein function. In summary, the available evidence is currently insufficient to determine the role of this variant in disease. Therefore, it has been classified as a Variant of Uncertain Significance.

Fulgent Genetics
Classification: Uncertain significance for Type I complement component 8 deficiency. Last evaluated: 2024-04-11. Review status: criteria provided, single submitter. Criteria: ACMG Guidelines, 2015. Collection method: clinical testing. Allele origin: germline.

GeneDx
Classification: Uncertain significance. Last evaluated: 2024-02-26. Review status: criteria provided, single submitter. Criteria: GeneDx Variant Classification Process June 2021. Collection method: clinical testing. Allele origin: germline. Affected: yes.
Comment: In silico analysis supports that this missense variant does not alter protein structure/function; Has not been previously published as pathogenic or benign to our knowledge

Ambry Genetics
Classification: Uncertain significance. Last evaluated: 2024-01-16. Review status: criteria provided, single submitter. Criteria: Ambry Variant Classification Scheme 2023. Collection method: clinical testing. Allele origin: germline.